The following is an entry in ClinVar:

ClinVar aggregate classification (germline): Uncertain significance. Review status: criteria provided, multiple submitters, no conflicts (2 of 4 stars). 3 submissions from 3 submitters: Uncertain significance (3). Last evaluated 2024-10-29.

Conditions:
Familial hypocalciuric hypercalcemia (FHH). Also called: Familial benign hypercalcemia. Identifiers: Orphanet 405, MedGen C1809471, MONDO:0018458.
Autosomal dominant hypocalcemia 1 (HYPOC1). Also called: HYPOCALCEMIA, FAMILIAL. Identifiers: MedGen C3715128, MONDO:0011013, OMIM 601198.

Submissions (3):

Labcorp Genetics (formerly Invitae), Labcorp
Classification: Uncertain significance for Familial hypocalciuric hypercalcemia; Autosomal dominant hypocalcemia 1. Last evaluated: 2024-10-29. Review status: criteria provided, single submitter. Criteria: Invitae Variant Classification Sherloc (09022015). Collection method: clinical testing. Allele origin: germline.
Comment: This sequence change replaces glycine, which is neutral and non-polar, with glutamic acid, which is acidic and polar, at codon 30 of the CASR protein (p.Gly30Glu). This variant is not present in population databases (gnomAD no frequency). This variant has not been reported in the literature in individuals affected with CASR-related conditions. ClinVar contains an entry for this variant (Variation ID: 447004). An algorithm developed to predict the effect of missense changes on protein structure and function (PolyPhen-2) suggests that this variant is likely to be disruptive. In summary, the available evidence is currently insufficient to determine the role of this variant in disease. Therefore, it has been classified as a Variant of Uncertain Significance.

Women's Health and Genetics/Laboratory Corporation of America, LabCorp
Classification: Uncertain significance. Last evaluated: 2023-09-12. Review status: criteria provided, single submitter. Criteria: LabCorp Variant Classification Summary - May 2015. Collection method: clinical testing. Allele origin: germline.
Comment: Variant summary: CASR c.89G>A (p.Gly30Glu) results in a non-conservative amino acid change located in the ligand binding region (IPR001828) of the encoded protein sequence. Four of four in-silico tools predict a damaging effect of the variant on protein function. The variant was absent in 251336 control chromosomes (gnomAD). The available data on variant occurrences in the general population are insufficient to allow any conclusion about variant significance. To our knowledge, no occurrence of c.89G>A in individuals affected with Autosomal Dominant Hypocalcemia and no experimental evidence demonstrating its impact on protein function have been reported. However, several missense changes affecting nearby residues (e.g. A26G/S, Q27R/E/P, K29E, I32V, L37P) are reported in affected individuals (HGMD), indicating a functional importance for this protein region. One submitter has cited clinical-significance assessments for this variant to ClinVar after 2014 and has classified the variant as uncertain significance. Based on the evidence outlined above, the variant was classified as uncertain significance.

Athena Diagnostics
Classification: Uncertain significance. Last evaluated: 2016-12-05. Review status: criteria provided, single submitter. Criteria: Athena Diagnostics Criteria. Collection method: clinical testing. Allele origin: germline.

NM_000388.4(CASR):c.89G>A (p.Gly30Glu)

Gene: CASR (calcium sensing receptor; plus strand). Cytogenetic location: 3q21.1.
Variant type: single nucleotide variant.
Coding change: c.89G>A on transcript NM_000388.4 (MANE Select); coding-DNA position 89, G replaced by A.
Protein change: p.Gly30Glu; replaces glycine 30 with glutamic acid.
Molecular consequence: missense variant.
Genome position (GRCh38, 1-based): chr3:122,254,278, G>A. VCF-style: chr3-122254278-G-A. GRCh37 (hg19) VCF-style: chr3-121973125-G-A.
Other names: c.89G>A, p.Gly30Glu (NM_001178065.2); c.89G>A (NM_000388.3); short protein forms G30E.
Identifiers: ClinVar variation 447004 (VCV000447004.5), dbSNP rs1553765889, ClinGen allele CA354362108.